The following is an entry in ClinVar:

NM_000165.5(GJA1):c.860A>G (p.Lys287Arg)

Gene: GJA1 (gap junction protein alpha 1; plus strand). Cytogenetic location: 6q22.31.
Variant type: single nucleotide variant.
Coding change: c.860A>G on transcript NM_000165.5 (MANE Select); coding-DNA position 860, A replaced by G.
Protein change: p.Lys287Arg; replaces lysine 287 with arginine.
Molecular consequence: missense variant.
Genome position (GRCh38, 1-based): chr6:121,447,707, A>G. VCF-style: chr6-121447707-A-G. GRCh37 (hg19) VCF-style: chr6-121768853-A-G.
Other names: c.860A>G (NM_000165.3); short protein forms K287R.
Identifiers: ClinVar variation 1693303 (VCV001693303.9), dbSNP rs555927773, ClinGen allele CA3981770.

ClinVar aggregate classification (germline): Uncertain significance. Review status: criteria provided, multiple submitters, no conflicts (2 of 4 stars). 3 submissions from 3 submitters: Uncertain significance (3). Last evaluated 2024-10-07.

Conditions:
Oculodentodigital dysplasia (ODDD). Also called: ODD SYNDROME; Oculodentodigital syndrome. Identifiers: Orphanet 2710, MedGen C0812437, MONDO:0008111, OMIM 164200.
Oculodentodigital dysplasia, autosomal recessive. Also called: OCULODENTOOSSEOUS DYSPLASIA, AUTOSOMAL RECESSIVE; ODDD, AUTOSOMAL RECESSIVE; ODOD, AUTOSOMAL RECESSIVE. Identifiers: Orphanet 2710, MedGen C2749477, MONDO:0009768, OMIM 257850.

Allele frequency attached by ClinVar (database versions not stated): gnomAD exomes below 0.00001 and 0.00001; gnomAD 0.00001; TOPMed 0.00001; ExAC 0.00002; 1000 Genomes Project 30x 0.00016; 1000 Genomes Project 0.00020.

Submissions (3):

GeneDx
Classification: Uncertain significance. Last evaluated: 2024-10-07. Review status: criteria provided, single submitter. Criteria: GeneDx Variant Classification Process June 2021. Collection method: clinical testing. Allele origin: germline. Affected: yes.
Comment: In silico analysis indicates that this missense variant does not alter protein structure/function; Has not been previously published as pathogenic or benign to our knowledge

Labcorp Genetics (formerly Invitae), Labcorp
Classification: Uncertain significance for Oculodentodigital dysplasia, autosomal recessive. Last evaluated: 2024-09-05. Review status: criteria provided, single submitter. Criteria: Invitae Variant Classification Sherloc (09022015). Collection method: clinical testing. Allele origin: germline.
Comment: This sequence change replaces lysine, which is basic and polar, with arginine, which is basic and polar, at codon 287 of the GJA1 protein (p.Lys287Arg). This variant is present in population databases (rs555927773, gnomAD 0.006%). This variant has not been reported in the literature in individuals affected with GJA1-related conditions. ClinVar contains an entry for this variant (Variation ID: 1693303). Invitae Evidence Modeling of protein sequence and biophysical properties (such as structural, functional, and spatial information, amino acid conservation, physicochemical variation, residue mobility, and thermodynamic stability) indicates that this missense variant is not expected to disrupt GJA1 protein function with a negative predictive value of 80%. In summary, the available evidence is currently insufficient to determine the role of this variant in disease. Therefore, it has been classified as a Variant of Uncertain Significance.

Illumina Laboratory Services, Illumina
Classification: Uncertain significance for Oculodentodigital dysplasia. Last evaluated: 2022-01-21. Review status: criteria provided, single submitter. Criteria: ICSLVariantClassificationCriteria RUGD 01 April 2020. Collection method: clinical testing. Allele origin: unknown.
Comment: The GJA1 c.860A>G (p.Lys287Arg) missense variant results in the substitution of lysine at amino acid position 287 with arginine. To our knowledge, this variant has not been reported in the peer-reviewed literature. The variant is reported in the Genome Aggregation Database in two alleles at a frequency of 0.0000578 in the Latino population (version 2.1.1). Based on the available evidence, the c.860A>G (p.Lys287Arg) variant is classified as a variant of uncertain significance for oculodentodigital dysplasia.